The following is an entry in ClinVar:

ClinVar aggregate classification (germline): Pathogenic (1 of 4 stars; one submission).

Submission:

Labcorp Genetics (formerly Invitae), Labcorp
Classification: Pathogenic. Last evaluated: 2024-05-07. Review status: criteria provided, single submitter. Criteria: Invitae Variant Classification Sherloc (09022015). Collection method: clinical testing. Allele origin: germline.
Comment: This sequence change creates a premature translational stop signal (p.Arg59Alafs*9) in the AMHR2 gene. It is expected to result in an absent or disrupted protein product. Loss-of-function variants in AMHR2 are known to be pathogenic (PMID: 8872466, 28094762, 28528332). This variant is not present in population databases (gnomAD no frequency). This variant has not been reported in the literature in individuals affected with AMHR2-related conditions. Algorithms developed to predict the effect of sequence changes on RNA splicing suggest that this variant may disrupt the consensus splice site. For these reasons, this variant has been classified as Pathogenic.

Literature cited by the submitters: PubMed 8872466; PubMed 28094762; PubMed 28528332.

NM_020547.3(AMHR2):c.175del (p.Arg59fs)

Gene: AMHR2 (anti-Mullerian hormone receptor type 2; plus strand). Cytogenetic location: 12q13.13.
Variant type: Deletion.
Coding change: c.175del on transcript NM_020547.3 (MANE Select); coding-DNA position 175, one base deleted (C; older notation c.175delC).
Protein change: p.Arg59fs; shifts the reading frame from arginine 59.
Molecular consequence: frameshift variant.
Genome position (GRCh38, 1-based): chr12:53,424,413, C deleted; the last of 2 consecutive C bases (chr12:53,424,412-53,424,413); deleting either gives the same sequence. VCF-style (leftmost placement, unchanged base first): chr12-53424411-GC-G. GRCh37 (hg19) VCF-style: chr12-53818195-GC-G.
Other names: c.175del, p.Arg59fs (NM_001164690.2, NM_001164691.2); short protein forms R59fs.
Identifiers: ClinVar variation 3686415 (VCV003686415.2).